The following is an entry in ClinVar:

ClinVar aggregate classification (germline): Pathogenic (1 of 4 stars; one submission).

Conditions:
Cardiovascular phenotype. Identifiers: MedGen CN230736.
Hereditary cancer-predisposing syndrome. Also called: Hereditary Cancer Syndrome; Hereditary neoplastic syndrome; Neoplastic Syndromes, Hereditary; Tumor predisposition. Identifiers: Orphanet 140162, MedGen C0027672, MeSH D009386, MONDO:0015356.

Submission:

Ambry Genetics
Classification: Pathogenic for Cardiovascular phenotype; Hereditary cancer-predisposing syndrome. Last evaluated: 2021-12-27. Review status: criteria provided, single submitter. Criteria: Ambry Variant Classification Scheme 2023. Collection method: clinical testing. Allele origin: germline.
Comment: The c.1435_1438delGAAA variant, located in coding exon 13 of the NF1 gene, results from a deletion of 4 nucleotides at nucleotide positions 1435 to 1438, causing a translational frameshift with a predicted alternate stop codon (p.E479Nfs*18). This alteration was identified in an individual with a clinical diagnosis of neurofibromatosis type 1 (D'Angelo F et al. Nat Med, 2019 01;25:176-187). This variant is considered to be rare based on population cohorts in the Genome Aggregation Database (gnomAD). This alteration is expected to result in loss of function by premature protein truncation or nonsense-mediated mRNA decay. As such, this alteration is interpreted as a disease-causing mutation.

NM_001042492.3(NF1):c.1435_1438del (p.Glu479fs)

Gene: NF1 (neurofibromin 1; plus strand). Cytogenetic location: 17q11.2.
Variant type: Deletion.
Coding change: c.1435_1438del on transcript NM_001042492.3 (MANE Select); coding-DNA positions 1435 to 1438, 4 bases deleted (GAAA; older notation c.1435_1438delGAAA).
Protein change: p.Glu479fs; shifts the reading frame from glutamic acid 479.
Molecular consequence: frameshift variant.
Genome position (GRCh38, 1-based): chr17:31,214,493-31,214,496, GAAA deleted; deleting any 4 consecutive bases within chr17:31,214,490-31,214,496 gives the same sequence; the c. name uses the placement nearest the transcript's 3' end. VCF-style (leftmost placement, unchanged base first): chr17-31214489-TAAAG-T. GRCh37 (hg19) VCF-style: chr17-29541507-TAAAG-T.
Other names: c.1435_1438delGAAA (NM_000267.3); c.1435_1438delGAAA, p.Glu479Asnfs (NM_000267.4); c.1435_1438del, p.Glu479fs (NM_001128147.3); short protein forms E479fs.
Identifiers: ClinVar variation 1772595 (VCV001772595.2), dbSNP rs2544829270, ClinGen allele CA2580092791.